The following is an entry in ClinVar:

NM_004859.4(CLTC):c.893T>C (p.Ile298Thr)

Gene: CLTC (clathrin heavy chain; plus strand). Cytogenetic location: 17q23.1.
Variant type: single nucleotide variant.
Coding change: c.893T>C on transcript NM_004859.4 (MANE Select); coding-DNA position 893, T replaced by C.
Protein change: p.Ile298Thr; replaces isoleucine 298 with threonine.
Molecular consequence: missense variant.
Genome position (GRCh38, 1-based): chr17:59,655,951, T>C. VCF-style: chr17-59655951-T-C. GRCh37 (hg19) VCF-style: chr17-57733312-T-C.
Other names: c.905T>C, p.Ile302Thr (NM_001288653.2); short protein forms I298T, I302T.
Identifiers: ClinVar variation 3343142 (VCV003343142.2).

ClinVar aggregate classification (germline): Uncertain significance (1 of 4 stars; one submission).

Submission:

GeneDx
Classification: Uncertain significance. Last evaluated: 2025-08-07. Review status: criteria provided, single submitter. Criteria: GeneDx Variant Classification Process June 2021. Collection method: clinical testing. Allele origin: germline.
Comment: Not observed at significant frequency in large population cohorts (gnomAD); In silico analysis supports that this missense variant has a deleterious effect on protein structure/function; Has not been previously published as pathogenic or benign to our knowledge